The following is an entry in ClinVar:

NM_194248.3(OTOF):c.5200C>G (p.Leu1734Val)

Gene: OTOF (otoferlin; minus strand). Cytogenetic location: 2p23.3.
Variant type: single nucleotide variant.
Coding change: c.5200C>G on transcript NM_194248.3 (MANE Select); coding-DNA position 5200, C replaced by G.
Protein change: p.Leu1734Val; replaces leucine 1734 with valine.
Molecular consequence: missense variant.
Genome position (GRCh38, 1-based): chr2:26,462,174, G>C on the plus strand (C>G on the coding strand, the complement: OTOF is on the minus strand). VCF-style: chr2-26462174-G-C. GRCh37 (hg19) VCF-style: chr2-26685042-G-C.
Other names: c.5200C>G, p.Leu1734Val (NM_001287489.2); c.2899C>G, p.Leu967Val (NM_004802.4, NM_194323.3); c.3130C>G, p.Leu1044Val (NM_194322.3); short protein forms L1734V, L967V, L1044V.
Identifiers: ClinVar variation 1481555 (VCV001481555.7), dbSNP rs2148021116, ClinGen allele CA346132384.

ClinVar aggregate classification (germline): Uncertain significance (1 of 4 stars; one submission).

gnomAD v4.1: 4 of 1,613,870 alleles (0.00025%); highest among the groups gnomAD compares: Non-Finnish European, 0.00034%; no homozygotes.

Submission:

Labcorp Genetics (formerly Invitae), Labcorp
Classification: Uncertain significance. Last evaluated: 2021-08-02. Review status: criteria provided, single submitter. Criteria: Invitae Variant Classification Sherloc (09022015). Collection method: clinical testing. Allele origin: germline.
Comment: This sequence change replaces leucine with valine at codon 1734 of the OTOF protein (p.Leu1734Val). The leucine residue is highly conserved and there is a small physicochemical difference between leucine and valine. This variant is not present in population databases (ExAC no frequency). This variant has not been reported in the literature in individuals with OTOF-related conditions. Algorithms developed to predict the effect of missense changes on protein structure and function (SIFT, PolyPhen-2, Align-GVGD) all suggest that this variant is likely to be disruptive, but these predictions have not been confirmed by published functional studies and their clinical significance is uncertain. Algorithms developed to predict the effect of sequence changes on RNA splicing suggest that this variant may create or strengthen a splice site, but this prediction has not been confirmed by published transcriptional studies. In summary, the available evidence is currently insufficient to determine the role of this variant in disease. Therefore, it has been classified as a Variant of Uncertain Significance.